The following is an entry in ClinVar:

NM_031263.4(HNRNPK):c.569A>C (p.Asp190Ala)

Genes: HNRNPK (heterogeneous nuclear ribonucleoprotein K; minus strand), HNRNPK-AS1 (HNRNPK antisense RNA 1; plus strand). Cytogenetic location: 9q21.32.
Variant type: single nucleotide variant.
Coding change: c.569A>C on transcript NM_031263.4 (MANE Select); coding-DNA position 569, A replaced by C.
Protein change: p.Asp190Ala; replaces aspartic acid 190 with alanine.
Molecular consequence: missense variant.
Genome position (GRCh38, 1-based): chr9:83,972,920, T>G on the plus strand (A>C on the coding strand, the complement: HNRNPK is on the minus strand). VCF-style: chr9-83972920-T-G. GRCh37 (hg19) VCF-style: chr9-86587835-T-G.
Other names: c.497A>C, p.Asp166Ala (NM_001318186.2, NM_001318187.2); c.569A>C, p.Asp190Ala (NM_001318188.2, NM_002140.5, NM_031262.4); short protein forms D190A, D166A.
Identifiers: ClinVar variation 452722 (VCV000452722.2), dbSNP rs1554699378, ClinGen allele CA373926763.
Genomic context (GRCh38, chr9:83,972,920, plus strand): 5'-AGGATGATCTTTATGCACTCTACAACCCTATCGGGTTTTCCTCCAATAAGAACAACTCTG[T>G]CAGTGGAATGAGGACAGCATTCCTGGAAAAGCTTGATGGTGGTTTGAGTGTTCTGTAGTA-3'
Protein context (NP_112553.1, residues 180-200): LFQECCPHST[Asp190Ala]RVVLIGGKPD

ClinVar aggregate classification (germline): Likely pathogenic (1 of 4 stars; one submission).

Submission:

GeneDx
Classification: Likely pathogenic. Last evaluated: 2017-10-18. Review status: criteria provided, single submitter. Criteria: GeneDx Variant Classification (06012015). Collection method: clinical testing. Allele origin: germline. Affected: yes.
Comment: The D190A variant in the HNRNPK gene has not been reported previously as a pathogenic variant, nor as a benign variant, to our knowledge. The D190A variant is not observed in large population cohorts (Lek et al., 2016). The D190A variant is a non-conservative amino acid substitution, which is likely to impact secondary protein structure as these residues differ in polarity, charge, size and/or other properties. In addition, this substitution occurs at a position that is conserved across species, and in silico analysis predicts this variant is probably damaging to the protein structure/function. We interpret D190A as a likely pathogenic variant.